The following is an entry in ClinVar:

ClinVar aggregate classification (germline): Pathogenic. Review status: criteria provided, multiple submitters, no conflicts (2 of 4 stars). 16 submissions from 15 submitters: Pathogenic (13). 3 of the submissions do not count toward it. Last evaluated 2026-03-26.

Conditions:
Meckel-Gruber syndrome. Also called: Dysencephalia splachnocystica; DYSENCEPHALIA SPLANCHNOCYSTICA; GRUBER SYNDROME. Identifiers: Orphanet 564, MedGen C0265215, MONDO:0018921.
Nephronophthisis. Also called: Juvenile Nephronophthisis. Identifiers: Orphanet 655, MedGen C0687120, MONDO:0019005, HP:0000090.
Joubert syndrome. Also called: Familial aplasia of the vermis; JOUBERT-BOLTSHAUSER SYNDROME. Identifiers: Orphanet 475, MedGen C5979921, MONDO:0018772.
Leber congenital amaurosis 10 (LCA10). Identifiers: Orphanet 65, MedGen C1857821, MONDO:0012723, OMIM 611755.
Meckel syndrome, type 4 (MKS4). Also called: MECKEL-GRUBER SYNDROME, TYPE 4. Identifiers: Orphanet 564, MedGen C1970161, MONDO:0012626, OMIM 611134.
Joubert syndrome 5 (JBTS5). Identifiers: Orphanet 2318, MedGen C1857780, MONDO:0012432, OMIM 610188.
Senior-Loken syndrome 6 (SLSN6). Identifiers: Orphanet 3156, MedGen C1857779, MONDO:0012433, OMIM 610189.
Bardet-Biedl syndrome 14 (BBS14). Identifiers: Orphanet 110, MedGen C2673874, MONDO:0014442, OMIM 615991.
CEP290-related disorder. Also called: CEP290-related condition; CEP290-related disorders. Identifiers: MedGen CN239314.
Leber congenital amaurosis (LCA). Also called: Leber's amaurosis. Identifiers: Orphanet 65, MedGen C0339527, MeSH D057130, MONDO:0018998.
Spastic ataxia. Identifiers: Orphanet 316226, MedGen C1849156, MONDO:0017845, HP:0002497.

Submissions (16):

PreventionGenetics, part of Exact Sciences
Classification: Pathogenic for CEP290-related condition. Last evaluated: 2026-03-26. Review status: criteria provided, single submitter. Criteria: ACMG Guidelines, 2015. Collection method: clinical testing. Allele origin: germline.
Comment: The CEP290 c.384_387delTAGA variant is predicted to result in a frameshift and premature protein termination (p.Asp128Glufs*34). This variant has been reported in the compound heterozygous state to be causative for Leber congenital amaurosis, Meckel syndrome, and retinal dystrophies (see example: Vora et al. 2020. PubMed ID: 31974414; Perrault et al. 2007. PubMed ID: 17345604; Areblom et al. 2023. PubMed ID: 37510321). This variant is reported in 0.010% of alleles in individuals of European (Non-Finnish) descent in gnomAD. Frameshift variants in CEP290 are expected to be pathogenic. This variant is interpreted as pathogenic.

Labcorp Genetics (formerly Invitae), Labcorp
Classification: Pathogenic for Joubert syndrome; Meckel-Gruber syndrome; Nephronophthisis. Last evaluated: 2026-01-27. Review status: criteria provided, single submitter. Criteria: Invitae Variant Classification Sherloc (09022015). Collection method: clinical testing. Allele origin: germline.
Comment: This sequence change creates a premature translational stop signal (p.Asp128Glufs*34) in the CEP290 gene. It is expected to result in an absent or disrupted protein product. Loss-of-function variants in CEP290 are known to be pathogenic (PMID: 16909394, 17345604, 20690115). This variant is present in population databases (rs386834157, gnomAD 0.01%). This premature translational stop signal has been observed in individuals with Leber congenital amaurosis and Meckel syndrome (PMID: 17345604, 17564974, 21602930). It has also been observed to segregate with disease in related individuals. This variant is also known as 383_386delATAG. ClinVar contains an entry for this variant (Variation ID: 56738). For these reasons, this variant has been classified as Pathogenic.

Natera, Inc.
Classification: Pathogenic for Leber congenital amaurosis. Last evaluated: 2025-07-21. Review status: criteria provided, single submitter. Criteria: Natera Variant Classification Schema (03/2026). Collection method: clinical testing. Allele origin: germline.
Comment: The c.384_387delTAGA variant in CEP290 is a frameshift variant predicted to shift the reading frame beginning at codon 128 and leads to a stop codon 34 codons downstream. This variant is expected to result in nonsense mediated decay, truncation, or a dysfunctional protein product. This variant is rare in the general population with a frequency below the threshold expected for the associated phenotype(s). This variant has been observed in one or more individuals affected with the associated recessive disease, as either homozygous or compound heterozygous with a second variant (PMID: 27375279). Given the available evidence, this variant is classified as Pathogenic.

Women's Health and Genetics/Laboratory Corporation of America, LabCorp
Classification: Pathogenic for CEP290-related disorder. Last evaluated: 2024-08-01. Review status: criteria provided, single submitter. Criteria: LabCorp Variant Classification Summary - May 2015. Collection method: clinical testing. Allele origin: germline.
Comment: Variant summary: CEP290 c.384_387delTAGA (p.Asp128GlufsX34) results in a premature termination codon, predicted to cause a truncation of the encoded protein or absence of the protein due to nonsense mediated decay, which are commonly known mechanisms for disease. The variant allele was found at a frequency of 5.6e-05 in 249068 control chromosomes. This frequency is not significantly higher than estimated for a pathogenic variant in CEP290 causing CEP290-Related Disorders. c.384_387delTAGA has been reported in the literature in the presumed compound heterozygous and compound heterozygous states in at least 2 individuals affected with Leber congenital amaurosis or Joubert/Meckel spectrum disease (example, Areblom_2023, Aguilar_2012). The following publications have been ascertained in the context of this evaluation (PMID: 37510321, 23027964). ClinVar contains an entry for this variant (Variation ID: 56738). Based on the evidence outlined above, the variant was classified as pathogenic.

Blueprint Genetics
Classification: Pathogenic for CEP290-related disorders. Last evaluated: 2024-06-11. Review status: criteria provided, single submitter. Criteria: ACMG Guidelines, 2015. Collection method: clinical testing. Allele origin: germline. Affected: yes. Observed: 5 variant alleles.

Fulgent Genetics
Classification: Pathogenic for Joubert syndrome 5; Senior-Loken syndrome 6; Meckel syndrome, type 4; Leber congenital amaurosis 10; Bardet-Biedl syndrome 14. Last evaluated: 2024-05-24. Review status: criteria provided, single submitter. Criteria: ACMG Guidelines, 2015. Collection method: clinical testing. Allele origin: germline.

Baylor Genetics
Classification: Pathogenic for Bardet-Biedl syndrome 14. Last evaluated: 2024-03-30. Review status: criteria provided, single submitter. Criteria: ACMG Guidelines, 2015. Collection method: clinical testing. Allele origin: unknown.

GeneDx
Classification: Pathogenic. Last evaluated: 2022-03-02. Review status: criteria provided, single submitter. Criteria: GeneDx Variant Classification Process June 2021. Collection method: clinical testing. Allele origin: germline. Affected: yes.
Comment: Frameshift variant predicted to result in protein truncation or nonsense mediated decay in a gene for which loss-of-function is a known mechanism of disease; Not observed at a significant frequency in large population cohorts (gnomAD); This variant is associated with the following publications: (PMID: 23027964, 19466712, 29398085, 31974414, 21602930, 31589614, 32865313, 17564974, 17345604)

Molecular Medicine for Neurodegenerative and Neuromuscular Diseases Unit, IRCCS Fondazione Stella Maris
Classification: Pathogenic for Spastic ataxia. Last evaluated: 2021-07-12. Review status: criteria provided, single submitter. Criteria: ACMG Guidelines, 2015. Collection method: research. Allele origin: unknown. Affected: yes.

CENTOGENE GmbH and LLC - Guiding Precision Medicine
Classification: Pathogenic for Leber congenital amaurosis 10. Last evaluated: 2020-07-05. Review status: criteria provided, single submitter. Criteria: ACMG Guidelines, 2015. Collection method: clinical testing. Allele origin: maternal.

Illumina Laboratory Services, Illumina
Classification: Pathogenic for CEP290-Related Disorders. Last evaluated: 2018-12-04. Review status: criteria provided, single submitter. Criteria: ICSL Variant Classification Criteria 09 May 2019. Collection method: clinical testing. Allele origin: germline.
Comment: The CEP290 c.384_387delTAGA (p.Asp128GlufsTer34) variant causes a frameshift and results in a premature truncation of the protein. The p.Asp128GlufsTer34 variant has been reported in four studies in which it is found in a total of seven individuals, including two homozygotes and five compound heterozygotes (Baala et al. 2007; Perrault et al. 2007; Aguilar et al. 2012; Sheck et al. 2018). The p.Asp128GlufsTer34variant was absent from 96 controls (Perrault et al. 2007) and is reported at a frequency of 0.01304 in the European American population of the Exome Sequencing Project. However, this frequency is orders of magnitude higher than the highest frequency reported in the Exome Aggregation Consortium, where the p.Asp128GlufsTer34 variant is found at a frequency of 0.00009 in the European (non-Finnish) population. Based on the potential impact of frameshift variant and collective clinical evidence, the p.Asp128GlufsTer34 variant is classified as pathogenic for CEP290-related disorders. This variant was observed by ICSL as part of a predisposition screen in an ostensibly healthy population.

Knight Diagnostic Laboratories, Oregon Health and Sciences University
Classification: Pathogenic for Joubert syndrome 5. Last evaluated: 2016-06-28. Review status: criteria provided, single submitter. Criteria: ACMG Guidelines, 2015. Collection method: clinical testing. Allele origin: germline. Affected: no. Study: CSER-NextGen.
Comment: The c.384_387delTAGA (p.Asp128Glufs*34) frameshift variant in the CEP290 gene has been previously reported in one family affected with Leber Congenital Amaurosis and two families affected with Meckel Syndrome (Baala et al., 2007; Perrault et al., 2007). In two unrelated individuals, this variant was observed in trans with other pathogenic variants (Cys998Ter, c.180+2T>A) (Baala et al., 2007; Perrault et al., 2007). This frameshift variant is predicted truncate the protein product, and loss of function variants, including variants downstream of this one, have been reported as a common mechanism of disease. This variant is reported at low frequency in the population databases (Exome Sequencing Project = NA; 1000 Genomes = NA; and ExAC = 0.009%). Therefore, this collective evidence supports the classification of the c.384_387delTAGA (p.Asp128Glufs*34) as a Pathogenic variant for Joubert Syndrome and Related Diseases. We have confirmed this finding in our laboratory using Sanger sequencing.

Juno Genomics, Hangzhou Juno Genomics, Inc
Classification: Pathogenic for Bardet-Biedl syndrome 14; Joubert syndrome 5; Leber congenital amaurosis 10; Meckel syndrome, type 4; Senior-Loken syndrome 6. Review status: criteria provided, single submitter. Criteria: ACMG Guidelines, 2015. Collection method: clinical testing. Allele origin: germline. Affected: yes.
Comment: Absent from controls (or at extremely low frequency if recessive) in Genome Aggregation Database, Exome Sequencing Project, 1000 Genomes Project, or Exome Aggregation Consortium.;Null variant in a gene where loss of function (LOF) is a known mechanism of disease.;For recessive disorders, detected in trans with a pathogenic variant.

OMIM
Classification: Pathogenic for LEBER CONGENITAL AMAUROSIS 10. Last evaluated: 2007-07-01. Review status: no assertion criteria provided. Collection method: literature only. Allele origin: germline. Not counted in ClinVar's aggregate classification.

OMIM
Classification: Pathogenic for MECKEL SYNDROME, TYPE 4. Last evaluated: 2007-07-01. Review status: no assertion criteria provided. Collection method: literature only. Allele origin: germline. Not counted in ClinVar's aggregate classification.

Juha Muilu Group; Institute for Molecular Medicine Finland (FIMM)
Classification: Likely pathogenic for Meckel syndrome type 4. Review status: no assertion criteria provided. Collection method: not provided. Allele origin: unknown. Not counted in ClinVar's aggregate classification.
Comment: FinDis database variant: This variant was not found or characterized by our laboratory, data were collected from public sources: see reference
ClinVar note: Converted during submission from probable-pathogenic to Likely pathogenic.

Literature cited by the submitters: PubMed 16909394 (cited by Labcorp Genetics (formerly Invitae), Labcorp); PubMed 17345604 (cited by 3 submitters); PubMed 20690115 (cited by Labcorp Genetics (formerly Invitae), Labcorp); PubMed 17564974 (cited by 3 submitters); PubMed 21602930 (cited by Labcorp Genetics (formerly Invitae), Labcorp); PubMed 27375279 (cited by Natera, Inc.); PubMed 37510321 (cited by Women's Health and Genetics/Laboratory Corporation of America, LabCorp); PubMed 23027964 (cited by Women's Health and Genetics/Laboratory Corporation of America, LabCorp and Illumina Laboratory Services, Illumina); PubMed 29398085 (cited by Illumina Laboratory Services, Illumina).

NM_025114.4(CEP290):c.384_387del (p.Asp128fs)

Gene: CEP290 (centrosomal protein 290; minus strand). Cytogenetic location: 12q21.32.
Variant type: Deletion.
Coding change: c.384_387del on transcript NM_025114.4 (MANE Select); coding-DNA positions 384 to 387, 4 bases deleted (TAGA; older notation c.384_387delTAGA).
Protein change: p.Asp128fs; shifts the reading frame from aspartic acid 128.
Molecular consequence: frameshift variant.
Genome position (GRCh38, 1-based): chr12:88,136,697-88,136,700, TCTA deleted on the plus strand (TAGA on the coding strand, the reverse complement: CEP290 is on the minus strand); deleting any 4 consecutive bases within chr12:88,136,697-88,136,703 gives the same sequence; the c. name uses the placement nearest the transcript's 3' end. VCF-style (leftmost placement, unchanged base first): chr12-88136696-CTCTA-C. GRCh37 (hg19) VCF-style: chr12-88530473-CTCTA-C.
Other names: c.384_387delTAGA (NM_025114.4, NM_025114.3); short protein forms D128fs.
Identifiers: ClinVar variation 56738 (VCV000056738.35), dbSNP rs386834157, ClinGen allele CA144396.